The following is an entry in ClinVar:

ClinVar aggregate classification (germline): Likely benign (1 of 4 stars; one submission).

Conditions:
HLTF-related disorder. Also called: HLTF-related condition.

Submission:

PreventionGenetics, part of Exact Sciences
Classification: Likely benign for HLTF-related condition. Last evaluated: 2025-08-25. Review status: criteria provided, single submitter. Criteria: ACMG Guidelines, 2015. Collection method: clinical testing. Allele origin: germline.
Comment: This variant is classified as likely benign based on ACMG/AMP sequence variant interpretation guidelines (Richards et al. 2015 PMID: 25741868, with internal and published modifications).

NM_003071.4(HLTF):c.1069G>A (p.Ala357Thr)

Gene: HLTF (helicase like transcription factor; minus strand). Cytogenetic location: 3q24.
Variant type: single nucleotide variant.
Coding change: c.1069G>A on transcript NM_003071.4 (MANE Select); coding-DNA position 1069, G replaced by A.
Protein change: p.Ala357Thr; replaces alanine 357 with threonine.
Molecular consequence: missense variant.
Genome position (GRCh38, 1-based): chr3:149,063,522, C>T on the plus strand (G>A on the coding strand, the complement: HLTF is on the minus strand). VCF-style: chr3-149063522-C-T. GRCh37 (hg19) VCF-style: chr3-148781309-C-T.
Other names: c.1069G>A, p.Ala357Thr (NM_001318934.2, NM_001318935.2, NM_139048.3); short protein forms A357T.
Identifiers: ClinVar variation 4978363 (VCV004978363.1).
Genomic context (GRCh38, chr3:149,063,522, plus strand): 5'-TGCGAAACTTACTCTTCTCCTTGATATCTGAAATACTGGGTTGTTCACTACATCTAGATG[C>T]GTCTATTTCAAAGAAAAATGCAAATATAAAGTATTAGTAAGGTGTCTTAGAAACTAGTAT-3'
Protein context (NP_003062.2, residues 347-367): SEKADGLSKD[Ala357Thr]SRCSEQPSIS